The following is an entry in ClinVar:

ClinVar aggregate classification (germline): Pathogenic. Review status: criteria provided, single submitter (1 of 4 stars). 2 submissions from 2 submitters: Pathogenic (1). 1 of the submissions does not count toward it. Last evaluated 2020-09-03.

Conditions:
Fanconi anemia complementation group A (FANCA). Also called: Fanconi anemia, group A; FANCA-Related Fanconi Anemia. Identifiers: Orphanet 84, MedGen C3469521, MONDO:0009215, OMIM 227650.
Fanconi anemia (FA). Also called: Fanconi's anemia. Identifiers: Orphanet 84, MedGen C0015625, MeSH D005199, MONDO:0019391.

Submissions (2):

Labcorp Genetics (formerly Invitae), Labcorp
Classification: Pathogenic for Fanconi anemia. Last evaluated: 2020-09-03. Review status: criteria provided, single submitter. Criteria: Invitae Variant Classification Sherloc (09022015). Collection method: clinical testing. Allele origin: germline.
Comment: This variant has not been reported in the literature in individuals with FANCA-related conditions. ClinVar contains an entry for this variant (Variation ID: 557812). For these reasons, this variant has been classified as Pathogenic. Loss-of-function variants in FANCA are known to be pathogenic (PMID: 19367192). This variant is not present in population databases (ExAC no frequency). This sequence change creates a premature translational stop signal (p.Phe1135Leufs*80) in the FANCA gene. It is expected to result in an absent or disrupted protein product.

Counsyl
Classification: Likely pathogenic for Fanconi anemia complementation group A. Last evaluated: 2018-04-09. Review status: no assertion criteria provided. Collection method: clinical testing. Allele origin: unknown. Not counted in ClinVar's aggregate classification.

Literature cited by the submitters: PubMed 19367192 (cited by Labcorp Genetics (formerly Invitae), Labcorp).

NM_000135.4(FANCA):c.3402dup (p.Phe1135fs)

Genes: FANCA (FA complementation group A; minus strand), LOC132090450 (Neanderthal introgressed variant-containing enhancer experimental_46718; plus strand). Cytogenetic location: 16q24.3.
Variant type: Duplication.
Coding change: c.3402dup on transcript NM_000135.4 (MANE Select); coding-DNA position 3402, one base duplicated (C; older notation c.3402dupC).
Protein change: p.Phe1135fs; shifts the reading frame from phenylalanine 1135.
Molecular consequence: frameshift variant.
Genome position (GRCh38, 1-based): chr16:89,746,837, G duplicated on the plus strand (C on the coding strand, the reverse complement: FANCA is on the minus strand). VCF-style (leftmost placement, unchanged base first): chr16-89746836-A-AG. GRCh37 (hg19) VCF-style: chr16-89813244-A-AG.
Other names: c.3402dup (LRG_495t1); c.3402dup, p.Phe1135fs (NM_001286167.3); c.3402dupC (NM_000135.2); short protein forms F1135fs.
Identifiers: ClinVar variation 557812 (VCV000557812.9), dbSNP rs1555537347, ClinGen allele CA658824238.